The following is an entry in ClinVar:

ClinVar aggregate classification (germline): Pathogenic (1 of 4 stars; one submission).

Submission:

Labcorp Genetics (formerly Invitae), Labcorp
Classification: Pathogenic. Last evaluated: 2019-09-26. Review status: criteria provided, single submitter. Criteria: Invitae Variant Classification Sherloc (09022015). Collection method: clinical testing. Allele origin: germline.
Comment: For these reasons, this variant has been classified as Pathogenic. Loss-of-function variants in ABCA4 are known to be pathogenic (PMID: 10958761, 24938718, 25312043, 26780318). This variant has not been reported in the literature in individuals with ABCA4-related conditions. This variant is an out-of-frame deletion of the genomic region encompassing exons 21-23 of the ABCA4 gene. This is expected to create a premature translational stop signal and result in an absent or disrupted protein product.

Literature cited by the submitters: PubMed 10958761; PubMed 24938718; PubMed 25312043; PubMed 26780318.

NC_000001.11:g.(?_94041209)_(94043475_?)del

Gene: ABCA4 (ATP binding cassette subfamily A member 4; minus strand). Cytogenetic location: 1p22.1.
Variant type: Deletion.
Identifiers: ClinVar variation 831611 (VCV000831611.5).